The following is an entry in ClinVar:

ClinVar aggregate classification (germline): Uncertain significance (1 of 4 stars; one submission).

Allele frequency attached by ClinVar (database versions not stated): gnomAD exomes below 0.00001 and 0.00001; gnomAD 0.00001; TOPMed 0.00001.
gnomAD v4.1: 21 of 1,610,386 alleles (0.0013%); highest among the groups gnomAD compares: Non-Finnish European, 0.0015%; no homozygotes.

Submission:

Labcorp Genetics (formerly Invitae), Labcorp
Classification: Uncertain significance. Last evaluated: 2021-10-12. Review status: criteria provided, single submitter. Criteria: Invitae Variant Classification Sherloc (09022015). Collection method: clinical testing. Allele origin: germline.
Comment: In summary, the available evidence is currently insufficient to determine the role of this variant in disease. Therefore, it has been classified as a Variant of Uncertain Significance. Algorithms developed to predict the effect of missense changes on protein structure and function are either unavailable or do not agree on the potential impact of this missense change (SIFT: "Tolerated"; PolyPhen-2: "Not Available"; Align-GVGD: "Class C0"). This variant has not been reported in the literature in individuals affected with SUGCT-related conditions. This variant is not present in population databases (ExAC no frequency). This sequence change replaces histidine with tyrosine at codon 353 of the SUGCT protein (p.His353Tyr). The histidine residue is weakly conserved and there is a moderate physicochemical difference between histidine and tyrosine.

NM_001193313.2(SUGCT):c.1090-65321C>T

Gene: SUGCT (succinyl-CoA:glutarate-CoA transferase; plus strand). Cytogenetic location: 7p14.1.
Variant type: single nucleotide variant.
Coding change: c.1090-65321C>T on transcript NM_001193313.2 (MANE Select); 65321 bases into the intron before coding-DNA position 1090, C replaced by T.
Molecular consequence: intron variant. On other transcripts: missense variant (2).
Genome position (GRCh38, 1-based): chr7:40,684,113, C>T. VCF-style: chr7-40684113-C-T. GRCh37 (hg19) VCF-style: chr7-40723712-C-T.
Other names: c.1147C>T, p.His383Tyr (NM_001193311.2); c.1036C>T, p.His346Tyr (NM_024728.3); c.946-65321C>T (NM_001193312.2); short protein forms H383Y, H346Y.
Identifiers: ClinVar variation 1397410 (VCV001397410.6), dbSNP rs1337574409, ClinGen allele CA367313793.